The following is an entry in ClinVar:

NM_015602.4(TOR1AIP1):c.653G>C (p.Gly218Ala)

Gene: TOR1AIP1 (torsin 1A interacting protein 1; plus strand). Cytogenetic location: 1q25.2.
Variant type: single nucleotide variant.
Coding change: c.653G>C on transcript NM_015602.4 (MANE Select); coding-DNA position 653, G replaced by C.
Protein change: p.Gly218Ala; replaces glycine 218 with alanine.
Molecular consequence: missense variant.
Genome position (GRCh38, 1-based): chr1:179,901,302, G>C. VCF-style: chr1-179901302-G-C. GRCh37 (hg19) VCF-style: chr1-179870437-G-C.
Other names: c.656G>C, p.Gly219Ala (NM_001267578.2); short protein forms G218A, G219A.
Identifiers: ClinVar variation 2048370 (VCV002048370.4), dbSNP rs1170530772, ClinGen allele CA343566160.

ClinVar aggregate classification (germline): Uncertain significance (1 of 4 stars; one submission).

Conditions:
Autosomal recessive limb-girdle muscular dystrophy type 2Y (MRRSDC). Also called: Muscular dystrophy, limb-girdle, type 2y; Muscular dystrophy, autosomal recessive, with rigid spine and distal joint contractures. Identifiers: Orphanet 424261, MedGen C4511482, MONDO:0014900, OMIM 617072.

Submission:

Labcorp Genetics (formerly Invitae), Labcorp
Classification: Uncertain significance for Autosomal recessive limb-girdle muscular dystrophy type 2Y. Last evaluated: 2021-12-19. Review status: criteria provided, single submitter. Criteria: Invitae Variant Classification Sherloc (09022015). Collection method: clinical testing. Allele origin: germline.
Comment: This sequence change replaces glycine, which is neutral and non-polar, with alanine, which is neutral and non-polar, at codon 219 of the TOR1AIP1 protein (p.Gly219Ala). This variant is not present in population databases (gnomAD no frequency). This variant has not been reported in the literature in individuals affected with TOR1AIP1-related conditions. Algorithms developed to predict the effect of missense changes on protein structure and function are either unavailable or do not agree on the potential impact of this missense change (SIFT: "Tolerated"; PolyPhen-2: "Possibly Damaging"; Align-GVGD: "Class C0"). Algorithms developed to predict the effect of sequence changes on RNA splicing suggest that this variant may disrupt the consensus splice site. In summary, the available evidence is currently insufficient to determine the role of this variant in disease. Therefore, it has been classified as a Variant of Uncertain Significance.